The following is an entry in ClinVar:

ClinVar aggregate classification (germline): Uncertain significance (1 of 4 stars; one submission).

Conditions:
Tuberous sclerosis 2 (TSC2). Identifiers: Orphanet 805, MedGen C1860707, MONDO:0013199, OMIM 613254.

Submission:

Labcorp Genetics (formerly Invitae), Labcorp
Classification: Uncertain significance for Tuberous sclerosis 2. Last evaluated: 2019-10-29. Review status: criteria provided, single submitter. Criteria: Invitae Variant Classification Sherloc (09022015). Collection method: clinical testing. Allele origin: germline.
Comment: This variant has not been reported in the literature in individuals with TSC2-related conditions. Algorithms developed to predict the effect of missense changes on protein structure and function output the following: SIFT: "Tolerated"; PolyPhen-2: "Benign"; Align-GVGD: "Class C0". The valine amino acid residue is found in multiple mammalian species, suggesting that this missense change does not adversely affect protein function. These predictions have not been confirmed by published functional studies and their clinical significance is uncertain. Algorithms developed to predict the effect of sequence changes on RNA splicing suggest that this variant may create or strengthen a splice site, but this prediction has not been confirmed by published transcriptional studies. In summary, the available evidence is currently insufficient to determine the role of this variant in disease. Therefore, it has been classified as a Variant of Uncertain Significance. This variant is not present in population databases (ExAC no frequency). This sequence change replaces alanine with valine at codon 1416 of the TSC2 protein (p.Ala1416Val). The alanine residue is weakly conserved and there is a small physicochemical difference between alanine and valine.

NM_000548.5(TSC2):c.4247C>T (p.Ala1416Val)

Gene: TSC2 (TSC complex subunit 2; plus strand). Cytogenetic location: 16p13.3.
Variant type: single nucleotide variant.
Coding change: c.4247C>T on transcript NM_000548.5 (MANE Select); coding-DNA position 4247, C replaced by T.
Protein change: p.Ala1416Val; replaces alanine 1416 with valine.
Molecular consequence: missense variant.
Genome position (GRCh38, 1-based): chr16:2,084,469, C>T. VCF-style: chr16-2084469-C-T. GRCh37 (hg19) VCF-style: chr16-2134470-C-T.
Other names: c.4049C>T, p.Ala1350Val (NM_001363528.2); c.4115C>T, p.Ala1372Val (NM_001370404.1); c.4118C>T, p.Ala1373Val (NM_001370405.1, NM_021055.3); c.3515C>T, p.Ala1172Val (NM_001318831.2); c.4079C>T, p.Ala1360Val (NM_001318832.2); c.4046C>T, p.Ala1349Val (NM_001077183.3); c.4178C>T, p.Ala1393Val (NM_001114382.3); c.3938C>T, p.Ala1313Val (NM_001318827.2); and 1 more; short protein forms A1301V, A1373V, A1416V, A1349V, A1360V, A1350V, A1372V, A1172V.
Identifiers: ClinVar variation 953679 (VCV000953679.9), dbSNP rs2090510754, ClinGen allele CA394300413.